The following is an entry in ClinVar:

NM_006231.4(POLE):c.5884del (p.Glu1962fs)

Gene: POLE (DNA polymerase epsilon, catalytic subunit; minus strand). Cytogenetic location: 12q24.33.
Variant type: Deletion.
Coding change: c.5884del on transcript NM_006231.4 (MANE Select); coding-DNA position 5884, one base deleted (G; older notation c.5884delG).
Protein change: p.Glu1962fs; shifts the reading frame from glutamic acid 1962.
Molecular consequence: frameshift variant.
Genome position (GRCh38, 1-based): chr12:132,634,306, C deleted on the plus strand (G on the coding strand, the reverse complement: POLE is on the minus strand); the first of 4 consecutive C bases (chr12:132,634,306-132,634,309); deleting any one gives the same sequence. VCF-style (leftmost placement, unchanged base first): chr12-132634305-TC-T. GRCh37 (hg19) VCF-style: chr12-133210891-TC-T.
Other names: short protein forms E1962fs.
Identifiers: ClinVar variation 2131596 (VCV002131596.4), dbSNP rs2138474789, ClinGen allele CA2580086073.
Genomic context (GRCh38, chr12:132,634,305, plus strand): 5'-ATGTTCCAGTTGTTTTCCAGTAAATCCTCCACGTTGGATTCCTCCGCCTCTTCCTCCTCC[TC>T]CCCATCTCTTTCCTCCTCATCGTCCTCATTTTCCTGCTCATCCTCTGCTCCCCCTGCTTT-3'

ClinVar aggregate classification (germline): Pathogenic (1 of 4 stars; one submission).

Submission:

Labcorp Genetics (formerly Invitae), Labcorp
Classification: Pathogenic. Last evaluated: 2022-06-27. Review status: criteria provided, single submitter. Criteria: Invitae Variant Classification Sherloc (09022015). Collection method: clinical testing. Allele origin: germline.
Comment: This sequence change creates a premature translational stop signal (p.Glu1962Argfs*37) in the POLE gene. It is expected to result in an absent or disrupted protein product. Loss-of-function variants in POLE are known to be pathogenic (PMID: 23230001, 25948378, 30503519). This variant is not present in population databases (gnomAD no frequency). This variant has not been reported in the literature in individuals affected with POLE-related conditions. For these reasons, this variant has been classified as Pathogenic.

Literature cited by the submitters: PubMed 23230001; PubMed 25948378; PubMed 30503519.